The following is an entry in ClinVar:

ClinVar aggregate classification (germline): Conflicting classifications of pathogenicity. Review status: criteria provided, conflicting classifications (1 of 4 stars). 5 submissions from 5 submitters: Likely pathogenic (1); Uncertain significance (4). Last evaluated 2026-04-30.

Conditions:
RECQL4-related disorder. Also called: RECQL4-related disorders; RECQL4-related condition.
Rapadilino syndrome. Identifiers: Orphanet 3021, MedGen C1849453, MONDO:0009955, OMIM 266280.
Baller-Gerold syndrome (BGS). Also called: CRANIOSYNOSTOSIS WITH RADIAL DEFECTS. Identifiers: Orphanet 1225, MedGen C0265308, MONDO:0009039, OMIM 218600.
Rothmund-Thomson syndrome (RTS). Also called: Poikiloderma Congenitale; Poikiloderma of Rothmund-Thomson. Identifiers: Orphanet 2909, MedGen C0032339, MONDO:0010002.
Ovarian cancer. Also called: OVARIAN CANCER, SOMATIC. Identifiers: Orphanet 213500, MedGen C1140680, MONDO:0008170, OMIM 167000.
Hereditary cancer-predisposing syndrome. Also called: Neoplastic Syndromes, Hereditary; Tumor predisposition; Hereditary Cancer Syndrome; Hereditary neoplastic syndrome. Identifiers: Orphanet 140162, MedGen C0027672, MeSH D009386, MONDO:0015356.

Allele frequency attached by ClinVar (database versions not stated): gnomAD 0.00004; gnomAD exomes 0.00004; TOPMed 0.00005; ExAC 0.00006; ESP Exome Variant Server 0.00016.
gnomAD v4.1: 70 of 1,611,776 alleles (0.0043%); highest among the groups gnomAD compares: South Asian, 0.022%; 1 homozygote.

Submissions (5):

PreventionGenetics, part of Exact Sciences
Classification: Uncertain significance for RECQL4-related condition. Last evaluated: 2026-04-30. Review status: criteria provided, single submitter. Criteria: ACMG Guidelines, 2015. Collection method: clinical testing. Allele origin: germline.
Comment: The RECQL4 c.2761G>A variant is predicted to result in the amino acid substitution p.Glu921Lys. To our knowledge, this variant has not been reported in the literature. This variant is reported in 0.013% of alleles in individuals of South Asian descent in gnomAD and has conflicting interpretations regarding its pathogenicity in ClinVar, ranging from uncertain to likely pathogenic (Variation ID: 406917). At this time, the clinical significance of this variant is uncertain due to the absence of conclusive functional and genetic evidence.

Labcorp Genetics (formerly Invitae), Labcorp
Classification: Uncertain significance for Baller-Gerold syndrome. Last evaluated: 2023-10-29. Review status: criteria provided, single submitter. Criteria: Invitae Variant Classification Sherloc (09022015). Collection method: clinical testing. Allele origin: germline.
Comment: This sequence change replaces glutamic acid, which is acidic and polar, with lysine, which is basic and polar, at codon 921 of the RECQL4 protein (p.Glu921Lys). This variant is present in population databases (rs371890521, gnomAD 0.01%). This variant has not been reported in the literature in individuals affected with RECQL4-related conditions. ClinVar contains an entry for this variant (Variation ID: 406917). Advanced modeling of protein sequence and biophysical properties (such as structural, functional, and spatial information, amino acid conservation, physicochemical variation, residue mobility, and thermodynamic stability) performed at Invitae indicates that this missense variant is expected to disrupt RECQL4 protein function with a positive predictive value of 80%. In summary, the available evidence is currently insufficient to determine the role of this variant in disease. Therefore, it has been classified as a Variant of Uncertain Significance.

Laboratory of Molecular Epidemiology of Birth Defects, West China Second University Hospital, Sichuan University
Classification: Likely pathogenic for Ovarian cancer. Last evaluated: 2022-01-01. Review status: criteria provided, single submitter. Criteria: ACMG Guidelines, 2015. Collection method: clinical testing. Allele origin: germline. Affected: yes.

Sema4
Classification: Uncertain significance for Hereditary cancer-predisposing syndrome. Last evaluated: 2021-12-02. Review status: criteria provided, single submitter. Criteria: Sema4 Curation Guidelines. Collection method: curation. Allele origin: germline.
Comment: The RECQL4 c.2761G>A (p.E921K) variant has not been reported in the literature to our knowledge. It was observed in 4/30524 chromosomes of the South Asian subpopulation in the large and broad cohorts of the Genome Aggregation Database (PMID: 32461654). The variant has been reported in ClinVar (Variation ID: 406917). In silico tools suggest the impact of the variant on protein function is deleterious, though these predictions have not been confirmed by functional studies. The evidence is insufficient to meet ACMG/AMP criteria for classifying the variant as benign or pathogenic. Thus, the clinical significance of this variant is currently uncertain.

Fulgent Genetics
Classification: Uncertain significance for Baller-Gerold syndrome; Rapadilino syndrome; Rothmund-Thomson syndrome type 2. Last evaluated: 2018-10-31. Review status: criteria provided, single submitter. Criteria: ACMG Guidelines, 2015. Collection method: clinical testing. Allele origin: unknown.

NM_004260.4(RECQL4):c.2761G>A (p.Glu921Lys)

Gene: RECQL4 (RecQ like helicase 4; minus strand). Cytogenetic location: 8q24.3.
Variant type: single nucleotide variant.
Coding change: c.2761G>A on transcript NM_004260.4 (MANE Select); coding-DNA position 2761, G replaced by A.
Protein change: p.Glu921Lys; replaces glutamic acid 921 with lysine.
Molecular consequence: missense variant.
Genome position (GRCh38, 1-based): chr8:144,512,766, C>T on the plus strand (G>A on the coding strand, the complement: RECQL4 is on the minus strand). VCF-style: chr8-144512766-C-T. GRCh37 (hg19) VCF-style: chr8-145738149-C-T.
Other names: short protein forms E921K.
Identifiers: ClinVar variation 406917 (VCV000406917.11), dbSNP rs371890521, ClinGen allele CA4948084.
Genomic context (GRCh38, chr8:144,512,766, plus strand): 5'-TGGTCGCCAGCAGCTCCAGCCAGTGGTGTGGGTGCAGCTCCAGGTAGCACAGCAAAGTCT[C>T]GATGGCTGGGGGCAGAGCAGGGCTCAGCGGACGCGGGGACAGCCCCTCCACACCCCTGTG-3'
Protein context (NP_004251.4, residues 911-931): QALDMPEEAI[Glu921Lys]TLLCYLELHP